The following is an entry in ClinVar:

ClinVar aggregate classification (germline): Benign/Likely benign. Review status: criteria provided, multiple submitters, no conflicts (2 of 4 stars). 5 submissions from 5 submitters: Benign (1); Likely benign (4). Last evaluated 2026-02-02.

Conditions:
Cardiovascular phenotype. Identifiers: MedGen CN230736.
Long QT syndrome (LQTS). Identifiers: MedGen C0023976, MeSH D008133, MONDO:0002442. Disease mechanism: loss of function. Inheritance: Various modes of inheritance.
Long QT syndrome 12 (LQT12). Identifiers: Orphanet 101016, Orphanet 768, MedGen C2751830, MONDO:0013062, OMIM 612955.

Allele frequency attached by ClinVar (database versions not stated): gnomAD exomes 0.00007; 1000 Genomes Project 0.00060; 1000 Genomes Project 30x 0.00062; ESP Exome Variant Server 0.00062; TOPMed 0.00089; gnomAD 0.00097 and 0.00106.
gnomAD v4.1: 256 of 1,614,088 alleles (0.016%); highest among the groups gnomAD compares: African/African-American, 0.32%; no homozygotes.

Submissions (5):

Labcorp Genetics (formerly Invitae), Labcorp
Classification: Benign for Long QT syndrome. Last evaluated: 2026-02-02. Review status: criteria provided, single submitter. Criteria: Invitae Variant Classification Sherloc (09022015). Collection method: clinical testing. Allele origin: germline.

Fulgent Genetics
Classification: Likely benign for Long QT syndrome 12. Last evaluated: 2021-09-20. Review status: criteria provided, single submitter. Criteria: ACMG Guidelines, 2015. Collection method: clinical testing. Allele origin: unknown.

GeneDx
Classification: Likely benign. Last evaluated: 2020-10-05. Review status: criteria provided, single submitter. Criteria: GeneDx Variant Classification Process June 2021. Collection method: clinical testing. Allele origin: germline. Affected: yes.

Illumina Laboratory Services, Illumina
Classification: Likely benign for Long QT syndrome 12. Last evaluated: 2018-01-13. Review status: criteria provided, single submitter. Criteria: ICSL Variant Classification Criteria 13 December 2019. Collection method: clinical testing. Allele origin: germline.
Comment: This variant was observed in the ICSL laboratory as part of a predisposition screen in an ostensibly healthy population. It had not been previously curated by ICSL or reported in the Human Gene Mutation Database (HGMD: prior to June 1st, 2018), and was therefore a candidate for classification through an automated scoring system. Utilizing variant allele frequency, disease prevalence and penetrance estimates, and inheritance mode, an automated score was calculated to assess if this variant is too frequent to cause the disease. Based on the score and internal cut-off values, a variant classified as likely benign is not then subjected to further curation. The score for this variant resulted in a classification of likely benign for this disease.

Ambry Genetics
Classification: Likely benign for Cardiovascular phenotype. Last evaluated: 2017-07-25. Review status: criteria provided, single submitter. Criteria: Ambry Variant Classification Scheme 2023. Collection method: clinical testing. Allele origin: germline.

NM_003098.3(SNTA1):c.1488C>A (p.Ala496=)

Gene: SNTA1 (syntrophin alpha 1; minus strand). Cytogenetic location: 20q11.21.
Variant type: single nucleotide variant.
Coding change: c.1488C>A on transcript NM_003098.3 (MANE Select); coding-DNA position 1488, C replaced by A.
Protein change: p.Ala496=; no amino-acid change (alanine 496 retained).
Molecular consequence: synonymous variant.
Genome position (GRCh38, 1-based): chr20:33,408,537, G>T on the plus strand (C>A on the coding strand, the complement: SNTA1 is on the minus strand). VCF-style: chr20-33408537-G-T. GRCh37 (hg19) VCF-style: chr20-31996343-G-T.
Identifiers: ClinVar variation 378631 (VCV000378631.21), dbSNP rs34901081, ClinGen allele CA9816931.